The following is an entry in ClinVar:

NM_020693.4(DSCAML1):c.4876+3G>C

Gene: DSCAML1 (DS cell adhesion molecule like 1; minus strand). Cytogenetic location: 11q23.3.
Variant type: single nucleotide variant.
Coding change: c.4876+3G>C on transcript NM_020693.4 (MANE Select); 3 bases into the intron after coding-DNA position 4876, G replaced by C.
Molecular consequence: intron variant.
Genome position (GRCh38, 1-based): chr11:117,435,641, C>G on the plus strand (G>C on the coding strand, the complement: DSCAML1 is on the minus strand). VCF-style: chr11-117435641-C-G. GRCh37 (hg19) VCF-style: chr11-117306357-C-G.
Identifiers: ClinVar variation 4760251 (VCV004760251.1).
Genomic context (GRCh38, chr11:117,435,641, plus strand): 5'-GGGGGGACAATGTGGCTGAGAGCCAACACCCCCTCCTGGAAGGCCCATAGGAAGCTCCCC[C>G]ACCTCGGAGTCGCTTCAGCCGTTTCTCCTTCCTCTTCTTGCGTACGATGAAGAGCAGTGC-3'

ClinVar aggregate classification (germline): Uncertain significance (1 of 4 stars; one submission).

gnomAD v4.1: 8 of 1,591,994 alleles (0.0005%); highest among the groups gnomAD compares: Non-Finnish European, 0.00069%; no homozygotes.

Submission:

Labcorp Genetics (formerly Invitae), Labcorp
Classification: Uncertain significance. Last evaluated: 2025-12-03. Review status: criteria provided, single submitter. Criteria: Invitae Variant Classification Sherloc (09022015). Collection method: clinical testing. Allele origin: germline.
Comment: This sequence change falls in intron 27 of the DSCAML1 gene. It does not directly change the encoded amino acid sequence of the DSCAML1 protein. It affects a nucleotide within the consensus splice site. This variant is present in population databases (no rsID available, gnomAD 0.0009%). This variant has not been reported in the literature in individuals affected with DSCAML1-related conditions. Variants that disrupt the consensus splice site are a relatively common cause of aberrant splicing (PMID: 17576681, 9536098). Algorithms developed to predict the effect of sequence changes on RNA splicing suggest that this variant is not likely to affect RNA splicing. In summary, the available evidence is currently insufficient to determine the role of this variant in disease. Therefore, it has been classified as a Variant of Uncertain Significance.

Literature cited by the submitters: PubMed 17576681; PubMed 9536098.